The following is an entry in ClinVar:

NM_006231.4(POLE):c.6330+6A>G

Gene: POLE (DNA polymerase epsilon, catalytic subunit; minus strand). Cytogenetic location: 12q24.33.
Variant type: single nucleotide variant.
Coding change: c.6330+6A>G on transcript NM_006231.4 (MANE Select); 6 bases into the intron after coding-DNA position 6330, A replaced by G.
Molecular consequence: intron variant.
Genome position (GRCh38, 1-based): chr12:132,632,309, T>C on the plus strand (A>G on the coding strand, the complement: POLE is on the minus strand). VCF-style: chr12-132632309-T-C. GRCh37 (hg19) VCF-style: chr12-133208895-T-C.
Identifiers: ClinVar variation 1010750 (VCV001010750.6), dbSNP rs2041948481, ClinGen allele CA2072980577.

ClinVar aggregate classification (germline): Uncertain significance (1 of 4 stars; one submission).

Submission:

Labcorp Genetics (formerly Invitae), Labcorp
Classification: Uncertain significance. Last evaluated: 2020-08-21. Review status: criteria provided, single submitter. Criteria: Invitae Variant Classification Sherloc (09022015). Collection method: clinical testing. Allele origin: germline.
Comment: Nucleotide substitutions within the consensus splice site are a relatively common cause of aberrant splicing (PMID: 17576681, 9536098). Algorithms developed to predict the effect of sequence changes on RNA splicing suggest that this variant is not likely to affect RNA splicing, but this prediction has not been confirmed by published transcriptional studies. In summary, the available evidence is currently insufficient to determine the role of this variant in disease. Therefore, it has been classified as a Variant of Uncertain Significance. This sequence change falls in intron 45 of the POLE gene. It does not directly change the encoded amino acid sequence of the POLE protein, but it affects a nucleotide within the consensus splice site of the intron. This variant is not present in population databases (ExAC no frequency). This variant has not been reported in the literature in individuals with POLE-related conditions.

Literature cited by the submitters: PubMed 17576681; PubMed 9536098.